The following is an entry in ClinVar:

NM_020919.4(ALS2):c.2651G>A (p.Arg884Lys)

Gene: ALS2 (alsin Rho guanine nucleotide exchange factor ALS2; minus strand). Cytogenetic location: 2q33.1.
Variant type: single nucleotide variant.
Coding change: c.2651G>A on transcript NM_020919.4 (MANE Select); coding-DNA position 2651, G replaced by A.
Protein change: p.Arg884Lys; replaces arginine 884 with lysine.
Molecular consequence: missense variant.
Genome position (GRCh38, 1-based): chr2:201,729,113, C>T on the plus strand (G>A on the coding strand, the complement: ALS2 is on the minus strand). VCF-style: chr2-201729113-C-T. GRCh37 (hg19) VCF-style: chr2-202593836-C-T.
Other names: short protein forms R884K.
Identifiers: ClinVar variation 1487664 (VCV001487664.6), dbSNP rs371408833, ClinGen allele CA2058121.
Genomic context (GRCh38, chr2:201,729,113, plus strand): 5'-GTCATTTTTCCGGGGAAGGTCTTCCAGAAGCCCAGTGTGTATTCTGCTTCCTTCCTTTTC[C>T]TGCCGAGATGGAGAGCAAGACACTCATAACAAGAACTGGAATCCTGCAGTTTCTGATATT-3'
Protein context (NP_065970.2, residues 874-894): CYECLALHLG[Arg884Lys]KRKEAEYTLG

ClinVar aggregate classification (germline): Uncertain significance (1 of 4 stars; one submission).

Conditions:
Infantile-onset ascending hereditary spastic paralysis (IAHSP). Also called: Autosomal Recessive Juvenile Amyotrophic Lateral Sclerosis; Infantile-Onset Ascending Hereditary Spastic Paralysis (IAHSP). Identifiers: Orphanet 293168, MedGen C2931441, MONDO:0011797, OMIM 607225. Disease mechanism: loss of function.

Allele frequency attached by ClinVar (database versions not stated): gnomAD exomes below 0.00001; ExAC 0.00001; gnomAD 0.00001; TOPMed 0.00002; ESP Exome Variant Server 0.00008.
gnomAD v4.1: 5 of 1,613,812 alleles (0.00031%); highest among the groups gnomAD compares: Non-Finnish European, 0.00034%; no homozygotes.

Submission:

Labcorp Genetics (formerly Invitae), Labcorp
Classification: Uncertain significance for Infantile-onset ascending hereditary spastic paralysis. Last evaluated: 2025-10-13. Review status: criteria provided, single submitter. Criteria: Invitae Variant Classification Sherloc (09022015). Collection method: clinical testing. Allele origin: germline.
Comment: This sequence change replaces arginine, which is basic and polar, with lysine, which is basic and polar, at codon 884 of the ALS2 protein (p.Arg884Lys). This variant is present in population databases (rs371408833, gnomAD 0.0009%). This variant has not been reported in the literature in individuals affected with ALS2-related conditions. ClinVar contains an entry for this variant (Variation ID: 1487664). Invitae Evidence Modeling of protein sequence and biophysical properties (such as structural, functional, and spatial information, amino acid conservation, physicochemical variation, residue mobility, and thermodynamic stability) indicates that this missense variant is not expected to disrupt ALS2 protein function with a negative predictive value of 80%. In summary, the available evidence is currently insufficient to determine the role of this variant in disease. Therefore, it has been classified as a Variant of Uncertain Significance.